The following is an entry in ClinVar:

ClinVar aggregate classification (germline): Uncertain significance (1 of 4 stars; one submission).

Conditions:
Familial thoracic aortic aneurysm and aortic dissection (TAAD). Also called: Thoracic aortic aneurysms and dissections. Identifiers: Orphanet 91387, MedGen C4707243, MONDO:0019625.

Submission:

Color Diagnostics, LLC DBA Color Health
Classification: Uncertain significance for Familial thoracic aortic aneurysm and aortic dissection. Last evaluated: 2023-12-04. Review status: criteria provided, single submitter. Criteria: ACMG Guidelines, 2015. Collection method: clinical testing. Allele origin: germline.
Comment: This missense variant replaces valine with methionine at codon 1394 of the MYH11 protein. To our knowledge, functional studies have not been reported for this variant. This variant has not been reported in individuals affected with MYH11-related disorders in the literature. This variant has not been identified in the general population by the Genome Aggregation Database (gnomAD). The available evidence is insufficient to determine the role of this variant in disease conclusively. Therefore, this variant is classified as a Variant of Uncertain Significance.

NM_002474.3(MYH11):c.4158_4159delinsTA (p.Val1387Met)

Genes: NDE1 (nudE neurodevelopment protein 1; plus strand), MYH11 (myosin heavy chain 11; minus strand). Cytogenetic location: 16p13.11.
Variant type: Indel.
Coding change: c.4158_4159delinsTA on transcript NM_002474.3 (MANE Select); coding-DNA positions 4158 to 4159, CG replaced by TA.
Protein change: p.Val1387Met; replaces valine 1387 with methionine.
Molecular consequence: missense variant. On other transcripts: 3 prime UTR variant (2).
Genome position (GRCh38, 1-based): chr16:15,724,367-15,724,368, CG replaced by TA on the plus strand (CG replaced by TA on the coding strand, the reverse complement: MYH11 is on the minus strand). VCF-style: chr16-15724367-CG-TA. GRCh37 (hg19) VCF-style: chr16-15818224-CG-TA.
Other names: c.4179_4180delinsTA, p.Val1394Met (NM_001040113.2, NM_001040114.2); c.4158_4159delinsTA, p.Val1387Met (NM_022844.3); c.*116_*117delinsTA (NM_001143979.2, NM_017668.3); short protein forms V1387M, V1394M.
Identifiers: ClinVar variation 921395 (VCV000921395.5), dbSNP rs2040639430, ClinGen allele CA1139664534.